The following is an entry in ClinVar:

NM_015466.4(PTPN23):c.2006T>C (p.Met669Thr)

Gene: PTPN23 (protein tyrosine phosphatase non-receptor type 23; plus strand). Cytogenetic location: 3p21.31.
Variant type: single nucleotide variant.
Coding change: c.2006T>C on transcript NM_015466.4 (MANE Select); coding-DNA position 2006, T replaced by C.
Protein change: p.Met669Thr; replaces methionine 669 with threonine.
Molecular consequence: missense variant.
Genome position (GRCh38, 1-based): chr3:47,409,711, T>C. VCF-style: chr3-47409711-T-C. GRCh37 (hg19) VCF-style: chr3-47451201-T-C.
Other names: c.1628T>C, p.Met543Thr (NM_001304482.2); c.2006T>C (NM_015466.2); short protein forms M543T, M669T.
Identifiers: ClinVar variation 1465091 (VCV001465091.5), dbSNP rs201374534, ClinGen allele CA2365890.
Genomic context (GRCh38, chr3:47,409,711, plus strand): 5'-CCAGGTGGAACTCCACGCTGCAGACCCTGGTGGCCTCGTATGAAGCCTATGAGGACCTGA[T>C]GAAGAAGTCGCAGGAGGGCAGGGACTTCTACGCAGATCTGGAGAGCAAGGTGGCTGCTCT-3'
Protein context (NP_056281.1, residues 659-679): VASYEAYEDL[Met669Thr]KKSQEGRDFY

ClinVar aggregate classification (germline): Uncertain significance. Review status: criteria provided, multiple submitters, no conflicts (2 of 4 stars). 2 submissions from 2 submitters: Uncertain significance (2). Last evaluated 2025-09-06.

Allele frequency attached by ClinVar (database versions not stated): TOPMed 0.00009; 1000 Genomes Project 0.00020; 1000 Genomes Project 30x 0.00031; gnomAD exomes 0.00001 and 0.00002; ExAC 0.00002; gnomAD 0.00006; ESP Exome Variant Server 0.00008.
gnomAD v4.1: 16 of 1,608,488 alleles (0.00099%); highest among the groups gnomAD compares: African/African-American, 0.021%; no homozygotes.

Submissions (2):

GeneDx
Classification: Uncertain significance. Last evaluated: 2025-09-06. Review status: criteria provided, single submitter. Criteria: GeneDx Variant Classification Process June 2021. Collection method: clinical testing. Allele origin: germline.
Comment: In silico analysis supports that this missense variant has a deleterious effect on protein structure/function; Has not been previously published as pathogenic or benign to our knowledge

Labcorp Genetics (formerly Invitae), Labcorp
Classification: Uncertain significance. Last evaluated: 2022-06-05. Review status: criteria provided, single submitter. Criteria: Invitae Variant Classification Sherloc (09022015). Collection method: clinical testing. Allele origin: germline.
Comment: This sequence change replaces methionine, which is neutral and non-polar, with threonine, which is neutral and polar, at codon 669 of the PTPN23 protein (p.Met669Thr). This variant is present in population databases (rs201374534, gnomAD 0.03%). This variant has not been reported in the literature in individuals affected with PTPN23-related conditions. ClinVar contains an entry for this variant (Variation ID: 1465091). Algorithms developed to predict the effect of missense changes on protein structure and function are either unavailable or do not agree on the potential impact of this missense change (SIFT: "Tolerated"; PolyPhen-2: "Not Available"; Align-GVGD: "Class C0"). In summary, the available evidence is currently insufficient to determine the role of this variant in disease. Therefore, it has been classified as a Variant of Uncertain Significance.